The following is an entry in ClinVar:

ClinVar aggregate classification (germline): Conflicting classifications of pathogenicity. Review status: criteria provided, conflicting classifications (1 of 4 stars). 5 submissions from 5 submitters: Uncertain significance (4); Likely benign (1). Last evaluated 2025-02-02.

Conditions:
Cardiovascular phenotype. Identifiers: MedGen CN230736.
Long QT syndrome (LQTS). Identifiers: MedGen C0023976, MeSH D008133, MONDO:0002442. Disease mechanism: loss of function. Inheritance: Various modes of inheritance.
Familial hyperaldosteronism type III. Also called: Familial hyperaldosteronism type 3; FH III. Identifiers: Orphanet 251274, MedGen C3838758, MONDO:0013359, OMIM 613677.
Long QT syndrome 13 (LQT13). Identifiers: Orphanet 101016, Orphanet 768, MedGen C3150733, MONDO:0013279, OMIM 613485.

Allele frequency attached by ClinVar (database versions not stated): gnomAD exomes 0.00001 and 0.00004; ExAC 0.00002; gnomAD 0.00002 and 0.00003; TOPMed 0.00002; 1000 Genomes Project 30x 0.00016; 1000 Genomes Project 0.00020.

Submissions (5):

Labcorp Genetics (formerly Invitae), Labcorp
Classification: Uncertain significance for Long QT syndrome. Last evaluated: 2025-02-02. Review status: criteria provided, single submitter. Criteria: Invitae Variant Classification Sherloc (09022015). Collection method: clinical testing. Allele origin: germline.
Comment: This sequence change replaces isoleucine, which is neutral and non-polar, with valine, which is neutral and non-polar, at codon 144 of the KCNJ5 protein (p.Ile144Val). This variant is present in population databases (rs369703183, gnomAD 0.01%). This variant has not been reported in the literature in individuals affected with KCNJ5-related conditions. ClinVar contains an entry for this variant (Variation ID: 303628). Invitae Evidence Modeling of protein sequence and biophysical properties (such as structural, functional, and spatial information, amino acid conservation, physicochemical variation, residue mobility, and thermodynamic stability) indicates that this missense variant is not expected to disrupt KCNJ5 protein function with a negative predictive value of 80%. In summary, the available evidence is currently insufficient to determine the role of this variant in disease. Therefore, it has been classified as a Variant of Uncertain Significance.

Ambry Genetics
Classification: Likely benign for Cardiovascular phenotype. Last evaluated: 2022-06-03. Review status: criteria provided, single submitter. Criteria: Ambry Variant Classification Scheme 2023. Collection method: clinical testing. Allele origin: germline.

Revvity Omics, Revvity
Classification: Uncertain significance. Last evaluated: 2021-02-11. Review status: criteria provided, single submitter. Criteria: ACMG Guidelines, 2015. Collection method: clinical testing. Allele origin: germline.

Victorian Clinical Genetics Services, Murdoch Childrens Research Institute
Classification: Uncertain significance for Long QT syndrome 13. Last evaluated: 2020-10-19. Review status: criteria provided, single submitter. Criteria: ACMG Guidelines, 2015. Collection method: clinical testing. Allele origin: germline. Inheritance: Autosomal dominant inheritance.
Comment: Based on the classification scheme VCGS_Germline_v1.3.3, this variant is classified as 3C-VUS. Following criteria are met: 0105 - The mechanism of disease for this gene is not clearly established. The link between variants in KCNJ5 and LQTS is disputed. (I) 0107 - This gene is associated with autosomal dominant disease. Variants in this gene are associated with autosomal dominant familial hyperaldosteronism type III (MIM #613677). (I) 0200 - Variant is predicted to result in a missense amino acid change from isoleucine to valine. (I) 0251 - This variant is heterozygous. (I) 0302 - Variant is present in gnomAD (v2) <0.001 for a dominant condition (9 heterozygotes, 0 homozygotes). (SP) 0502 - Missense variant with conflicting in silico predictions and uninformative conservation. (I) 0600 - Variant is located in the annotated helical domain in the pore region (NCBI). (I) 0705 - No comparable missense variants have previous evidence for pathogenicity. (I) 0808 - Previous reports of pathogenicity for this variant are conflicting. This variant has one VUS entry in ClinVar related to familial hyperaldosteronism, and one likely benign and one VUS entry related to LQTS. (I) 0905 - No published segregation evidence has been identified for this variant. (I) 1007 - No published functional evidence has been identified for this variant. (I) 1208 - Inheritance information for this variant is not currently available in this individual. (I) Legend: (SP) - Supporting pathogenic, (I) - Information, (SB) - Supporting benign

Illumina Laboratory Services, Illumina
Classification: Uncertain significance for Familial hyperaldosteronism type III. Last evaluated: 2018-01-13. Review status: criteria provided, single submitter. Criteria: ICSL Variant Classification Criteria 13 December 2019. Collection method: clinical testing. Allele origin: germline.

NM_000890.5(KCNJ5):c.430A>G (p.Ile144Val)

Gene: KCNJ5 (potassium inwardly rectifying channel subfamily J member 5; plus strand). Cytogenetic location: 11q24.3.
Variant type: single nucleotide variant.
Coding change: c.430A>G on transcript NM_000890.5 (MANE Select); coding-DNA position 430, A replaced by G.
Protein change: p.Ile144Val; replaces isoleucine 144 with valine.
Molecular consequence: missense variant.
Genome position (GRCh38, 1-based): chr11:128,911,703, A>G. VCF-style: chr11-128911703-A-G. GRCh37 (hg19) VCF-style: chr11-128781598-A-G.
Other names: c.430A>G (LRG_333t1); c.430A>G, p.Ile144Val (NM_001354169.2); short protein forms I144V.
Identifiers: ClinVar variation 303628 (VCV000303628.20), dbSNP rs369703183, ClinGen allele CA6357870.